The following is an entry in ClinVar:

ClinVar aggregate classification (germline): Uncertain significance (1 of 4 stars; one submission).

Conditions:
Familial cancer of breast. Also called: Hereditary breast cancer; BREAST CANCER, FAMILIAL; hereditary breast carcinoma. Identifiers: Orphanet 227535, MedGen C0346153, MONDO:0016419, OMIM 114480. Disease mechanism: loss of function.

Submission:

Labcorp Genetics (formerly Invitae), Labcorp
Classification: Uncertain significance for Familial cancer of breast. Last evaluated: 2024-09-12. Review status: criteria provided, single submitter. Criteria: Invitae Variant Classification Sherloc (09022015). Collection method: clinical testing. Allele origin: germline.
Comment: This sequence change replaces isoleucine, which is neutral and non-polar, with asparagine, which is neutral and polar, at codon 189 of the CHEK2 protein (p.Ile189Asn). This variant is not present in population databases (gnomAD no frequency). This variant has not been reported in the literature in individuals affected with CHEK2-related conditions. An algorithm developed to predict the effect of missense changes on protein structure and function (PolyPhen-2) suggests that this variant is likely to be disruptive. In summary, the available evidence is currently insufficient to determine the role of this variant in disease. Therefore, it has been classified as a Variant of Uncertain Significance.

NM_007194.4(CHEK2):c.566T>A (p.Ile189Asn)

Gene: CHEK2 (checkpoint kinase 2; minus strand). Cytogenetic location: 22q12.1.
Variant type: single nucleotide variant.
Coding change: c.566T>A on transcript NM_007194.4 (MANE Select); coding-DNA position 566, T replaced by A.
Protein change: p.Ile189Asn; replaces isoleucine 189 with asparagine.
Molecular consequence: missense variant. On other transcripts: 5 prime UTR variant (2), intron variant (1).
Genome position (GRCh38, 1-based): chr22:28,725,003, A>T on the plus strand (T>A on the coding strand, the complement: CHEK2 is on the minus strand). VCF-style: chr22-28725003-A-T. GRCh37 (hg19) VCF-style: chr22-29120991-A-T.
Other names: c.695T>A, p.Ile232Asn (NM_001005735.3, NM_001438294.1); c.-212T>A (NM_001257387.3); c.-98T>A (NM_001437942.1); c.659T>A, p.Ile220Asn (NM_001438293.1, NM_001438295.1); c.566T>A, p.Ile189Asn (NM_145862.3); c.445-80T>A (NM_001349956.3); short protein forms I232N, I189N, I220N.
Identifiers: ClinVar variation 3710849 (VCV003710849.2).